The following is an entry in ClinVar:

ClinVar aggregate classification (germline): Uncertain significance (1 of 4 stars; one submission).

gnomAD v4.1: 1 of 1,394,256 alleles (0.000072%); highest among the groups gnomAD compares: Non-Finnish European, 0.000093%; no homozygotes.

Submission:

Labcorp Genetics (formerly Invitae), Labcorp
Classification: Uncertain significance. Last evaluated: 2022-02-22. Review status: criteria provided, single submitter. Criteria: Invitae Variant Classification Sherloc (09022015). Collection method: clinical testing. Allele origin: germline.
Comment: This variant has not been reported in the literature in individuals affected with COLGALT1-related conditions. In summary, the available evidence is currently insufficient to determine the role of this variant in disease. Therefore, it has been classified as a Variant of Uncertain Significance. Algorithms developed to predict the effect of missense changes on protein structure and function are either unavailable or do not agree on the potential impact of this missense change (SIFT: "Not Available"; PolyPhen-2: "Benign"; Align-GVGD: "Not Available"). This variant is not present in population databases (gnomAD no frequency). This sequence change replaces alanine, which is neutral and non-polar, with serine, which is neutral and polar, at codon 73 of the COLGALT1 protein (p.Ala73Ser).

NM_024656.4(COLGALT1):c.217G>T (p.Ala73Ser)

Gene: COLGALT1 (collagen beta(1-O)galactosyltransferase 1; plus strand). Cytogenetic location: 19p13.11.
Variant type: single nucleotide variant.
Coding change: c.217G>T on transcript NM_024656.4 (MANE Select); coding-DNA position 217, G replaced by T.
Protein change: p.Ala73Ser; replaces alanine 73 with serine.
Molecular consequence: missense variant.
Genome position (GRCh38, 1-based): chr19:17,555,930, G>T. VCF-style: chr19-17555930-G-T. GRCh37 (hg19) VCF-style: chr19-17666739-G-T.
Other names: short protein forms A73S.
Identifiers: ClinVar variation 2101651 (VCV002101651.4), dbSNP rs2512865048, ClinGen allele CA404692496.